The following is an entry in ClinVar:

NM_004700.4(KCNQ4):c.1818C>G (p.Asp606Glu)

Gene: KCNQ4 (potassium voltage-gated channel subfamily Q member 4; plus strand). Cytogenetic location: 1p34.2.
Variant type: single nucleotide variant.
Coding change: c.1818C>G on transcript NM_004700.4 (MANE Select); coding-DNA position 1818, C replaced by G.
Protein change: p.Asp606Glu; replaces aspartic acid 606 with glutamic acid.
Molecular consequence: missense variant.
Genome position (GRCh38, 1-based): chr1:40,837,737, C>G. VCF-style: chr1-40837737-C-G. GRCh37 (hg19) VCF-style: chr1-41303409-C-G.
Other names: c.1656C>G, p.Asp552Glu (NM_172163.3); short protein forms D606E, D552E.
Identifiers: ClinVar variation 163756 (VCV000163756.16), dbSNP rs139835231, ClinGen allele CA176483.

ClinVar aggregate classification (germline): Benign. Review status: criteria provided, multiple submitters, no conflicts (2 of 4 stars). 4 submissions from 4 submitters: Benign (4). Last evaluated 2026-02-03.

Conditions:
Autosomal dominant nonsyndromic hearing loss 2A. Also called: DFNA2 Nonsyndromic Hearing Loss; Autosomal dominant nonsyndromic deafness 2A; Deafness, autosomal dominant 2A. Identifiers: Orphanet 90635, MedGen C2677637, MONDO:0010817, OMIM 600101.

Allele frequency attached by ClinVar (database versions not stated): ESP Exome Variant Server 0.00008; gnomAD 0.00103 and 0.00129; TOPMed 0.00206; gnomAD exomes 0.00273; ExAC 0.00300; 1000 Genomes Project 30x 0.00687; 1000 Genomes Project 0.00799.
gnomAD v4.1: 1,270 of 1,612,604 alleles (0.079%); highest among the groups gnomAD compares: East Asian, 2.4%; 24 homozygotes.

Submissions (4):

Labcorp Genetics (formerly Invitae), Labcorp
Classification: Benign. Last evaluated: 2026-02-03. Review status: criteria provided, single submitter. Criteria: Invitae Variant Classification Sherloc (09022015). Collection method: clinical testing. Allele origin: germline.

Genome-Nilou Lab
Classification: Benign for Autosomal dominant nonsyndromic hearing loss 2A. Last evaluated: 2023-04-11. Review status: criteria provided, single submitter. Criteria: ACMG Guidelines, 2015. Collection method: clinical testing. Allele origin: germline. Affected: no.

GeneDx
Classification: Benign. Last evaluated: 2018-09-05. Review status: criteria provided, single submitter. Criteria: GeneDx Variant Classification Process June 2021. Collection method: clinical testing. Allele origin: germline. Affected: yes.
Comment: This variant is associated with the following publications: (PMID: 17033161)

Laboratory for Molecular Medicine, Mass General Brigham Personalized Medicine
Classification: Benign. Last evaluated: 2015-11-05. Review status: criteria provided, single submitter. Criteria: LMM Criteria. Collection method: clinical testing. Allele origin: germline. Observed: 6 variant alleles.
Comment: Asp606Glu in exon 13 of KCNQ4: This variant is not expected to have clinical sig nificance because it has been identified in 3.9% (293/7602) of East Asian chromo somes by the Exome Aggregation Consortium (ExAC,, dbSNP rs139835231). In addition, it is not conserved across species, including mammals. Of note, kangaroo rat and platypus have glutamate (Glu) at this positi on despite high nearby amino acid conservation.